The following is an entry in ClinVar:

NM_025099.6(CTC1):c.775G>A (p.Val259Met)

Gene: CTC1 (CST telomere replication complex component 1; minus strand). Cytogenetic location: 17p13.1.
Variant type: single nucleotide variant.
Coding change: c.775G>A on transcript NM_025099.6 (MANE Select); coding-DNA position 775, G replaced by A.
Protein change: p.Val259Met; replaces valine 259 with methionine.
Molecular consequence: missense variant. On other transcripts: non-coding transcript variant (1).
Genome position (GRCh38, 1-based): chr17:8,237,392, C>T on the plus strand (G>A on the coding strand, the complement: CTC1 is on the minus strand). VCF-style: chr17-8237392-C-T. GRCh37 (hg19) VCF-style: chr17-8140710-C-T.
Other names: short protein forms V259M.
Identifiers: ClinVar variation 30998 (VCV000030998.19), dbSNP rs387907080, ClinGen allele CA129610.

ClinVar aggregate classification (germline): Pathogenic/Likely pathogenic. Review status: criteria provided, multiple submitters, no conflicts (2 of 4 stars). 8 submissions from 8 submitters: Pathogenic (4); Likely pathogenic (3). 1 of the submissions does not count toward it. Last evaluated 2026-08-31.

Conditions:
CTC1-related disorder. Also called: CTC1-related condition.
Cerebroretinal microangiopathy with calcifications and cysts 1 (CRMCC1). Identifiers: Orphanet 313838, MedGen C4552029, MONDO:0024564, OMIM 612199.
Dyskeratosis congenita. Identifiers: Orphanet 1775, MedGen C0265965, MONDO:0015780.

Allele frequency attached by ClinVar (database versions not stated): gnomAD exomes 0.00001; ExAC 0.00002.
gnomAD v4.1: 9 of 1,614,004 alleles (0.00056%); highest among the groups gnomAD compares: Admixed American, 0.005%; no homozygotes.

Submissions (8):

GeneDx
Classification: Likely pathogenic. Last evaluated: 2026-08-31. Review status: criteria provided, single submitter. Criteria: GeneDx Variant Classification Process June 2021. Collection method: clinical testing. Allele origin: germline.
Comment: Identified with a second variant in patients with a clinical diagnosis of Coats plus syndrome, but it is not known whether the variants occurred on the same (in cis) or on different (in trans) alleles in some cases (PMID: 29111009, 22267198); In silico analysis suggests that this missense variant does not alter protein structure/function; This variant is associated with the following publications: (PMID: 23869908, 18076099, 24115768, 29774655, 29111009, 22267198, 31589614, 35578024, 33731801, 37021555, 29481669, 34308104, 40423626, 23220793, 41554616)

Labcorp Genetics (formerly Invitae), Labcorp
Classification: Pathogenic for Dyskeratosis congenita. Last evaluated: 2025-12-15. Review status: criteria provided, single submitter. Criteria: Invitae Variant Classification Sherloc (09022015). Collection method: clinical testing. Allele origin: germline.
Comment: This sequence change replaces valine, which is neutral and non-polar, with methionine, which is neutral and non-polar, at codon 259 of the CTC1 protein (p.Val259Met). This variant is present in population databases (rs387907080, gnomAD 0.006%). This missense change has been observed in individual(s) with Coats plus syndrome (PMID: 22267198, 29111009). In at least one individual the data is consistent with being in trans (on the opposite chromosome) from a pathogenic variant. It has also been observed to segregate with disease in related individuals. ClinVar contains an entry for this variant (Variation ID: 30998). Invitae Evidence Modeling of protein sequence and biophysical properties (such as structural, functional, and spatial information, amino acid conservation, physicochemical variation, residue mobility, and thermodynamic stability) indicates that this missense variant is expected to disrupt CTC1 protein function with a positive predictive value of 80%. Experimental studies have shown that this missense change affects CTC1 function (PMID: 24115768, 29481669). For these reasons, this variant has been classified as Pathogenic.

Baylor Genetics
Classification: Pathogenic for Cerebroretinal microangiopathy with calcifications and cysts 1. Last evaluated: 2022-06-13. Review status: criteria provided, single submitter. Criteria: ACMG Guidelines, 2015. Collection method: clinical testing. Allele origin: unknown.

Fulgent Genetics
Classification: Likely pathogenic for Cerebroretinal microangiopathy with calcifications and cysts 1. Last evaluated: 2021-08-18. Review status: criteria provided, single submitter. Criteria: ACMG Guidelines, 2015. Collection method: clinical testing. Allele origin: unknown.

Genome-Nilou Lab
Classification: Likely pathogenic for Cerebroretinal microangiopathy with calcifications and cysts 1. Last evaluated: 2021-07-15. Review status: criteria provided, single submitter. Criteria: ACMG Guidelines, 2015. Collection method: clinical testing. Allele origin: germline. Affected: no.

Blueprint Genetics
Classification: Pathogenic for CTC1-related disorders. Last evaluated: 2019-02-25. Review status: criteria provided, single submitter. Criteria: ACMG Guidelines, 2015. Collection method: clinical testing. Allele origin: germline. Affected: yes. Observed: 1 variant allele.

Mayo Clinic Laboratories, Mayo Clinic
Classification: Pathogenic for Cerebroretinal microangiopathy with calcifications and cysts 1. Last evaluated: 2018-04-09. Review status: criteria provided, single submitter. Criteria: ACMG Guidelines, 2015. Collection method: clinical testing. Allele origin: maternal.

OMIM
Classification: Pathogenic for CEREBRORETINAL MICROANGIOPATHY WITH CALCIFICATIONS AND CYSTS 1. Last evaluated: 2012-01-22. Review status: no assertion criteria provided. Collection method: literature only. Allele origin: germline. Not counted in ClinVar's aggregate classification.

Literature cited by the submitters: PubMed 22267198 (cited by Labcorp Genetics (formerly Invitae), Labcorp and OMIM); PubMed 29111009 (cited by Labcorp Genetics (formerly Invitae), Labcorp); PubMed 24115768 (cited by Labcorp Genetics (formerly Invitae), Labcorp); PubMed 29481669 (cited by Labcorp Genetics (formerly Invitae), Labcorp); PubMed 18076099 (cited by OMIM).